The following is an entry in ClinVar:

NM_001330260.2(SCN8A):c.3007C>T (p.Arg1003Cys)

Gene: SCN8A (sodium voltage-gated channel alpha subunit 8; plus strand). Cytogenetic location: 12q13.13.
Variant type: single nucleotide variant.
Coding change: c.3007C>T on transcript NM_001330260.2 (MANE Select); coding-DNA position 3007, C replaced by T.
Protein change: p.Arg1003Cys; replaces arginine 1003 with cysteine.
Molecular consequence: missense variant.
Genome position (GRCh38, 1-based): chr12:51,768,970, C>T. VCF-style: chr12-51768970-C-T. GRCh37 (hg19) VCF-style: chr12-52162754-C-T.
Other names: c.3007C>T, p.Arg1003Cys (NM_001177984.3, NM_001369788.1, NM_014191.4); short protein forms R1003C.
Identifiers: ClinVar variation 985603 (VCV000985603.3), dbSNP rs1565917779, ClinGen allele CA384892097.

ClinVar aggregate classification (germline): Uncertain significance (1 of 4 stars; one submission).

Conditions:
Inborn genetic diseases. Identifiers: MedGen C0950123, MeSH D030342.

Allele frequency attached by ClinVar (database versions not stated): gnomAD exomes below 0.00001.
gnomAD v4.1: 1 of 1,613,320 alleles (0.000062%); no homozygotes.

Submission:

Ambry Genetics
Classification: Uncertain significance for Inborn genetic diseases. Last evaluated: 2019-01-31. Review status: criteria provided, single submitter. Criteria: Ambry Variant Classification Scheme 2023. Collection method: clinical testing. Allele origin: germline.
Comment: The p.R1003C variant (also known as c.3007C>T), located in coding exon 16 of the SCN8A gene, results from a C to T substitution at nucleotide position 3007. The arginine at codon 1003 is replaced by cysteine, an amino acid with highly dissimilar properties. This amino acid position is highly conserved in available vertebrate species. In addition, this alteration is predicted to be deleterious by in silico analysis. Since supporting evidence is limited at this time, the clinical significance of this alteration remains unclear.